The following is an entry in ClinVar:

ClinVar aggregate classification (germline): Uncertain significance (1 of 4 stars; one submission).

Allele frequency attached by ClinVar (database versions not stated): gnomAD exomes below 0.00001; ExAC 0.00001; gnomAD 0.00002; TOPMed 0.00002.
gnomAD v4.1: 6 of 1,612,692 alleles (0.00037%); highest among the groups gnomAD compares: African/African-American, 0.0067%; no homozygotes.

Submission:

Labcorp Genetics (formerly Invitae), Labcorp
Classification: Uncertain significance. Last evaluated: 2023-11-27. Review status: criteria provided, single submitter. Criteria: Invitae Variant Classification Sherloc (09022015). Collection method: clinical testing. Allele origin: germline.
Comment: This sequence change replaces valine, which is neutral and non-polar, with alanine, which is neutral and non-polar, at codon 687 of the MPDZ protein (p.Val687Ala). This variant is present in population databases (rs761409705, gnomAD 0.006%). This variant has not been reported in the literature in individuals affected with MPDZ-related conditions. ClinVar contains an entry for this variant (Variation ID: 2164839). Algorithms developed to predict the effect of missense changes on protein structure and function output the following: SIFT: "Not Available"; PolyPhen-2: "Benign"; Align-GVGD: "Not Available". The alanine amino acid residue is found in multiple mammalian species, which suggests that this missense change does not adversely affect protein function. In summary, the available evidence is currently insufficient to determine the role of this variant in disease. Therefore, it has been classified as a Variant of Uncertain Significance.

NM_001378778.1(MPDZ):c.2060T>C (p.Val687Ala)

Gene: MPDZ (multiple PDZ domain crumbs cell polarity complex component; minus strand). Cytogenetic location: 9p23.
Variant type: single nucleotide variant.
Coding change: c.2060T>C on transcript NM_001378778.1 (MANE Select); coding-DNA position 2060, T replaced by C.
Protein change: p.Val687Ala; replaces valine 687 with alanine.
Molecular consequence: missense variant.
Genome position (GRCh38, 1-based): chr9:13,190,208, A>G on the plus strand (T>C on the coding strand, the complement: MPDZ is on the minus strand). VCF-style: chr9-13190208-A-G. GRCh37 (hg19) VCF-style: chr9-13190207-A-G.
Other names: c.2060T>C, p.Val687Ala (NM_001261406.2, NM_001261407.2, NM_001330637.2 and 14 more transcripts); short protein forms V687A.
Identifiers: ClinVar variation 2164839 (VCV002164839.4), dbSNP rs761409705, ClinGen allele CA4987574.
Genomic context (GRCh38, chr9:13,190,208, plus strand): 5'-CTCCCTTTCTCCAGCTCTATGTGCTGAATGCCAGCCTCCCACATGGCCAAAGGTGCTTGA[A>G]CCTCTTCTGTACTCTGACCCGCATCAGTCATCGCCAGCACTGGATCCTCTGTCTCTGATG-3'
Protein context (NP_001365707.1, residues 677-697): MTDAGQSTEE[Val687Ala]QAPLAMWEAG